The following is an entry in ClinVar:

ClinVar aggregate classification (germline): Uncertain significance (1 of 4 stars; one submission).

Allele frequency attached by ClinVar (database versions not stated): gnomAD exomes 0.00001; TOPMed 0.00001.
gnomAD v4.1: 4 of 1,602,400 alleles (0.00025%); highest among the groups gnomAD compares: Admixed American, 0.0017%; no homozygotes.

Submission:

GeneDx
Classification: Uncertain significance. Last evaluated: 2019-11-29. Review status: criteria provided, single submitter. Criteria: GeneDx Variant Classification Process June 2021. Collection method: clinical testing. Allele origin: germline. Affected: yes.
Comment: Has not been previously published as pathogenic or benign to our knowledge; In-silico analysis, which includes splice predictors and evolutionary conservation, is inconclusive as to whether the variant alters gene splicing. In the absence of RNA/functional studies, the actual effect of this sequence change is unknown.

NM_004817.4(TJP2):c.952+3A>G

Gene: TJP2 (tight junction protein 2; plus strand). Cytogenetic location: 9q21.11.
Variant type: single nucleotide variant.
Coding change: c.952+3A>G on transcript NM_004817.4 (MANE Select); 3 bases into the intron after coding-DNA position 952, A replaced by G.
Molecular consequence: intron variant.
Genome position (GRCh38, 1-based): chr9:69,221,499, A>G. VCF-style: chr9-69221499-A-G. GRCh37 (hg19) VCF-style: chr9-71836415-A-G.
Other names: c.883+3A>G (NM_001170414.2, NM_001369870.1, NM_001369871.1); c.952+3A>G (NM_201629.3, NM_001369872.1, NM_001369873.1); c.964+3A>G (NM_001170415.1, NM_001369875.1, NM_001369874.1); c.1045+3A>G (NM_001170416.2).
Identifiers: ClinVar variation 1310582 (VCV001310582.2), dbSNP rs1189567891, ClinGen allele CA588209660.
Genomic context (GRCh38, chr9:69,221,499, plus strand): 5'-CCTAGGGGGCGGCCGGGGCCCATCGGGGTCCTCCTGATGAAAAGCAGAGCGAACGAAGGT[A>G]GGCATGCTTGATGTGGGAAGAAAAGCACTGTTGTGATATGAATAACCTTTGTTTTCTTAA-3'